The following is an entry in ClinVar:

NM_014915.3(ANKRD26):c.4105A>T (p.Met1369Leu)

Gene: ANKRD26 (ankyrin repeat domain 26; minus strand). Cytogenetic location: 10p12.1.
Variant type: single nucleotide variant.
Coding change: c.4105A>T on transcript NM_014915.3 (MANE Select); coding-DNA position 4105, A replaced by T.
Protein change: p.Met1369Leu; replaces methionine 1369 with leucine.
Molecular consequence: missense variant.
Genome position (GRCh38, 1-based): chr10:27,022,668, T>A on the plus strand (A>T on the coding strand, the complement: ANKRD26 is on the minus strand). VCF-style: chr10-27022668-T-A. GRCh37 (hg19) VCF-style: chr10-27311597-T-A.
Other names: c.4102A>T, p.Met1368Leu (NM_001256053.2); short protein forms M1368L, M1369L.
Identifiers: ClinVar variation 5022775 (VCV005022775.1).

ClinVar aggregate classification (germline): Uncertain significance (1 of 4 stars; one submission).

Conditions:
Inborn genetic diseases. Identifiers: MedGen C0950123, MeSH D030342.

Submission:

Ambry Genetics
Classification: Uncertain significance for Inborn genetic diseases. Last evaluated: 2026-06-16. Review status: criteria provided, single submitter. Criteria: Ambry Variant Classification Scheme 2023. Collection method: clinical testing. Allele origin: germline.
Comment: The p.M1369L variant (also known as c.4105A>T), located in coding exon 29 of the ANKRD26 gene, results from an A to T substitution at nucleotide position 4105. The methionine at codon 1369 is replaced by leucine, an amino acid with highly similar properties. This amino acid position is conserved. In addition, this alteration is predicted to be tolerated by in silico analysis. Based on the available evidence, the clinical significance of this variant remains unclear.